The following is an entry in ClinVar:

NM_001128840.3(CACNA1D):c.4977G>A (p.Ser1659=)

Gene: CACNA1D (calcium voltage-gated channel subunit alpha1 D; plus strand). Cytogenetic location: 3p21.1.
Variant type: single nucleotide variant.
Coding change: c.4977G>A on transcript NM_001128840.3 (MANE Select); coding-DNA position 4977, G replaced by A.
Protein change: p.Ser1659=; no amino-acid change (serine 1659 retained).
Molecular consequence: synonymous variant.
Genome position (GRCh38, 1-based): chr3:53,800,302, G>A. VCF-style: chr3-53800302-G-A. GRCh37 (hg19) VCF-style: chr3-53834329-G-A.
Other names: p.Ser1679=; c.5037G>A, p.Ser1679= (NM_000720.4); c.4932G>A, p.Ser1644= (NM_001128839.3).
Identifiers: ClinVar variation 227199 (VCV000227199.20), dbSNP rs150463212, ClinGen allele CA2455048.

ClinVar aggregate classification (germline): Benign/Likely benign. Review status: criteria provided, multiple submitters, no conflicts (2 of 4 stars). 8 submissions from 8 submitters: Benign (2); Likely benign (5). 1 of the submissions does not count toward it. Last evaluated 2026-01-27.

Conditions:
Aldosterone-producing adenoma with seizures and neurological abnormalities. Also called: Primary aldosteronism, seizures, and neurologic abnormalities. Identifiers: Orphanet 369929, MedGen C3809609, MONDO:0014200, OMIM 615474.
CACNA1D-related disorder.

Allele frequency attached by ClinVar (database versions not stated): gnomAD 0.00025; 1000 Genomes Project 0.00040; TOPMed 0.00040; ExAC 0.00043; ESP Exome Variant Server 0.00046; 1000 Genomes Project 30x 0.00047; gnomAD exomes 0.00056.
gnomAD v4.1: 497 of 1,614,084 alleles (0.031%); highest among the groups gnomAD compares: Middle Eastern, 0.066%; 4 homozygotes.

Submissions (8):

Labcorp Genetics (formerly Invitae), Labcorp
Classification: Benign. Last evaluated: 2026-01-27. Review status: criteria provided, single submitter. Criteria: Invitae Variant Classification Sherloc (09022015). Collection method: clinical testing. Allele origin: germline.

KCCC/NGS Laboratory, Kuwait Cancer Control Center
Classification: Benign for Aldosterone-producing adenoma with seizures and neurological abnormalities. Last evaluated: 2025-02-01. Review status: criteria provided, single submitter. Criteria: ACMG Guidelines, 2015. Collection method: clinical testing. Allele origin: germline. Affected: no.

Mayo Clinic Laboratories, Mayo Clinic
Classification: Likely benign. Last evaluated: 2024-12-26. Review status: criteria provided, single submitter. Criteria: ACMG Guidelines, 2015. Collection method: clinical testing. Allele origin: germline. Observed: 1 variant allele.

Blueprint Genetics
Classification: Likely benign. Last evaluated: 2024-11-23. Review status: criteria provided, single submitter. Criteria: ACMG Guidelines, 2015. Collection method: clinical testing. Allele origin: germline.

Genetic Services Laboratory, University of Chicago
Classification: Likely benign. Last evaluated: 2020-05-01. Review status: criteria provided, single submitter. Criteria: ACMG Guidelines, 2015. Collection method: clinical testing. Allele origin: germline. Affected: no.

GeneDx
Classification: Likely benign. Last evaluated: 2017-10-05. Review status: criteria provided, single submitter. Criteria: GeneDx Variant Classification (06012015). Collection method: clinical testing. Allele origin: germline. Affected: yes.
Comment: This variant is considered likely benign or benign based on one or more of the following criteria: it is a conservative change, it occurs at a poorly conserved position in the protein, it is predicted to be benign by multiple in silico algorithms, and/or has population frequency not consistent with disease.

Laboratory for Molecular Medicine, Mass General Brigham Personalized Medicine
Classification: Likely benign. Last evaluated: 2014-11-24. Review status: criteria provided, single submitter. Criteria: LMM Criteria. Collection method: clinical testing. Allele origin: germline. Observed: 1 variant allele.
Comment: Ser1679Ser in exon 42 of CACNA1D: This variant is not expected to have clinical significance because it does not alter an amino acid residue and is not located within the splice consensus sequence. It has been identified in 0.1% (6/8600) of European American chromosomes from a broad population by the NHLBI Exome Sequen cing Project (dbSNP rs150463212).

PreventionGenetics, part of Exact Sciences
Classification: Likely benign for CACNA1D-related condition. Last evaluated: 2024-09-26. Review status: no assertion criteria provided. Collection method: clinical testing. Allele origin: germline. Not counted in ClinVar's aggregate classification.
Comment: This variant is classified as likely benign based on ACMG/AMP sequence variant interpretation guidelines (Richards et al. 2015 PMID: 25741868, with internal and published modifications).